The following is an entry in ClinVar:

ClinVar aggregate classification (germline): Uncertain significance (1 of 4 stars; one submission).

Allele frequency attached by ClinVar (database versions not stated): 1000 Genomes Project 30x 0.00016.

Submission:

Labcorp Genetics (formerly Invitae), Labcorp
Classification: Uncertain significance. Last evaluated: 2024-05-15. Review status: criteria provided, single submitter. Criteria: Invitae Variant Classification Sherloc (09022015). Collection method: clinical testing. Allele origin: germline.
Comment: This sequence change replaces leucine, which is neutral and non-polar, with valine, which is neutral and non-polar, at codon 287 of the TSFM protein (p.Leu287Val). This variant is present in population databases (rs62000432, gnomAD 0.003%). This variant has not been reported in the literature in individuals affected with TSFM-related conditions. ClinVar contains an entry for this variant (Variation ID: 2173848). Advanced modeling of protein sequence and biophysical properties (such as structural, functional, and spatial information, amino acid conservation, physicochemical variation, residue mobility, and thermodynamic stability) performed at Invitae indicates that this missense variant is not expected to disrupt TSFM protein function with a negative predictive value of 80%. In summary, the available evidence is currently insufficient to determine the role of this variant in disease. Therefore, it has been classified as a Variant of Uncertain Significance.

NM_005726.6(TSFM):c.796C>G (p.Leu266Val)

Gene: TSFM (Ts translation elongation factor, mitochondrial; plus strand). Cytogenetic location: 12q14.1.
Variant type: single nucleotide variant.
Coding change: c.796C>G on transcript NM_005726.6 (MANE Select); coding-DNA position 796, C replaced by G.
Protein change: p.Leu266Val; replaces leucine 266 with valine.
Molecular consequence: missense variant. On other transcripts: 3 prime UTR variant (1), intron variant (1).
Genome position (GRCh38, 1-based): chr12:57,796,401, C>G. VCF-style: chr12-57796401-C-G. GRCh37 (hg19) VCF-style: chr12-58190184-C-G.
Other names: c.*204C>G (NM_001172695.2); c.859C>G, p.Leu287Val (NM_001172696.2); c.571+3328C>G (NM_001172697.2); short protein forms L266V, L287V.
Identifiers: ClinVar variation 2173848 (VCV002173848.3), dbSNP rs62000432, ClinGen allele CA6659451.